The following is an entry in ClinVar:

NM_001363711.2(DUOX2):c.4375G>A (p.Asp1459Asn)

Gene: DUOX2 (dual oxidase 2; minus strand). Cytogenetic location: 15q21.1.
Variant type: single nucleotide variant.
Coding change: c.4375G>A on transcript NM_001363711.2 (MANE Select); coding-DNA position 4375, G replaced by A.
Protein change: p.Asp1459Asn; replaces aspartic acid 1459 with asparagine.
Molecular consequence: missense variant.
Genome position (GRCh38, 1-based): chr15:45,094,956, C>T on the plus strand (G>A on the coding strand, the complement: DUOX2 is on the minus strand). VCF-style: chr15-45094956-C-T. GRCh37 (hg19) VCF-style: chr15-45387154-C-T.
Other names: c.4375G>A, p.Asp1459Asn (NM_014080.5); short protein forms D1459N.
Identifiers: ClinVar variation 3612393 (VCV003612393.2).

ClinVar aggregate classification (germline): Uncertain significance (1 of 4 stars; one submission).

gnomAD v4.1: 25 of 1,614,134 alleles (0.0015%); highest among the groups gnomAD compares: East Asian, 0.016%; no homozygotes.

Submission:

Labcorp Genetics (formerly Invitae), Labcorp
Classification: Uncertain significance. Last evaluated: 2024-10-26. Review status: criteria provided, single submitter. Criteria: Invitae Variant Classification Sherloc (09022015). Collection method: clinical testing. Allele origin: germline.
Comment: This sequence change replaces aspartic acid, which is acidic and polar, with asparagine, which is neutral and polar, at codon 1459 of the DUOX2 protein (p.Asp1459Asn). This variant is present in population databases (rs199546504, gnomAD 0.05%). This missense change has been observed in individual(s) with clinical features of DUOX2-related conditions (PMID: 32425884). Invitae Evidence Modeling of protein sequence and biophysical properties (such as structural, functional, and spatial information, amino acid conservation, physicochemical variation, residue mobility, and thermodynamic stability) indicates that this missense variant is not expected to disrupt DUOX2 protein function with a negative predictive value of 95%. In summary, the available evidence is currently insufficient to determine the role of this variant in disease. Therefore, it has been classified as a Variant of Uncertain Significance.

Literature cited by the submitters: PubMed 32425884.